The following is an entry in ClinVar:

NM_025132.4(WDR19):c.2483G>A (p.Arg828His)

Gene: WDR19 (WD repeat domain 19; plus strand). Cytogenetic location: 4p14.
Variant type: single nucleotide variant.
Coding change: c.2483G>A on transcript NM_025132.4 (MANE Select); coding-DNA position 2483, G replaced by A.
Protein change: p.Arg828His; replaces arginine 828 with histidine.
Molecular consequence: missense variant.
Genome position (GRCh38, 1-based): chr4:39,244,309, G>A. VCF-style: chr4-39244309-G-A. GRCh37 (hg19) VCF-style: chr4-39245929-G-A.
Other names: c.2483G>A (NM_025132.3); c.2003G>A, p.Arg668His (NM_001317924.2); short protein forms R668H, R828H.
Identifiers: ClinVar variation 1938198 (VCV001938198.7), dbSNP rs771137155, ClinGen allele CA2892092.

ClinVar aggregate classification (germline): Uncertain significance. Review status: criteria provided, single submitter (1 of 4 stars). 2 submissions from 2 submitters: Uncertain significance (1). 1 of the submissions does not count toward it. Last evaluated 2022-08-22.

Conditions:
WDR19-related disorder. Also called: WDR19-related condition; WDR19-related disorders. Identifiers: MedGen CN380161.
Asphyxiating thoracic dystrophy 5 (SRTD5). Also called: SHORT-RIB THORACIC DYSPLASIA 5 WITH OR WITHOUT POLYDACTYLY; SHORT-RIB THORACIC DYSPLASIA 5 WITHOUT POLYDACTYLY. Identifiers: Orphanet 474, MedGen C3280598, MONDO:0013717, OMIM 614376.
Senior-Loken syndrome 8 (SLSN8). Identifiers: Orphanet 3156, MedGen C4225376, MONDO:0014579, OMIM 616307.

Allele frequency attached by ClinVar (database versions not stated): ExAC 0.00003.
gnomAD v4.1: 23 of 1,613,956 alleles (0.0014%); highest among the groups gnomAD compares: South Asian, 0.0055%; no homozygotes.

Submissions (2):

Labcorp Genetics (formerly Invitae), Labcorp
Classification: Uncertain significance for Senior-Loken syndrome 8; Asphyxiating thoracic dystrophy 5. Last evaluated: 2022-08-22. Review status: criteria provided, single submitter. Criteria: Invitae Variant Classification Sherloc (09022015). Collection method: clinical testing. Allele origin: germline.
Comment: In summary, the available evidence is currently insufficient to determine the role of this variant in disease. Therefore, it has been classified as a Variant of Uncertain Significance. Algorithms developed to predict the effect of missense changes on protein structure and function (SIFT, PolyPhen-2, Align-GVGD) all suggest that this variant is likely to be disruptive. This variant has not been reported in the literature in individuals affected with WDR19-related conditions. This variant is present in population databases (rs771137155, gnomAD 0.006%). This sequence change replaces arginine, which is basic and polar, with histidine, which is basic and polar, at codon 828 of the WDR19 protein (p.Arg828His).

PreventionGenetics, part of Exact Sciences
Classification: Uncertain significance for WDR19-related condition. Last evaluated: 2024-02-13. Review status: no assertion criteria provided. Collection method: clinical testing. Allele origin: germline. Not counted in ClinVar's aggregate classification.
Comment: The WDR19 c.2483G>A variant is predicted to result in the amino acid substitution p.Arg828His. To our knowledge, this variant has not been reported in the literature. This variant is reported in 0.0056% of alleles in individuals of East Asian descent in gnomAD. At this time, the clinical significance of this variant is uncertain due to the absence of conclusive functional and genetic evidence.